The following is an entry in ClinVar:

ClinVar aggregate classification (germline): Conflicting classifications of pathogenicity. Review status: criteria provided, conflicting classifications (1 of 4 stars). 6 submissions from 6 submitters: Uncertain significance (1); Benign (1); Likely benign (4). Last evaluated 2026-03-01.

Conditions:
SCN2A-related disorder. Also called: SCN2A-related disorders; SCN2A-related condition. Identifiers: MedGen CN382226, MONDO:1060245.
Seizures, benign familial infantile, 3 (BFIS3). Also called: CONVULSIONS, BENIGN FAMILIAL INFANTILE, 3; Familial neonatal seizures. Identifiers: Orphanet 140927, Orphanet 306, MedGen C1843140, MONDO:0011904, OMIM 607745.
Developmental and epileptic encephalopathy, 11 (DEE11). Also called: Early infantile epileptic encephalopathy 11. Identifiers: Orphanet 1934, MedGen C3150987, MONDO:0013388, OMIM 613721.

Allele frequency attached by ClinVar (database versions not stated): gnomAD 0.00004; TOPMed 0.00006; gnomAD exomes 0.00007; ExAC 0.00010.
gnomAD v4.1: 96 of 1,613,680 alleles (0.0059%); highest among the groups gnomAD compares: Non-Finnish European, 0.0076%; no homozygotes.

Submissions (6):

CeGaT Center for Human Genetics Tuebingen
Classification: Likely benign. Last evaluated: 2026-03-01. Review status: criteria provided, single submitter. Criteria: CeGaT Center For Human Genetics Tuebingen Variant Classification Criteria Version 2. Collection method: clinical testing. Allele origin: germline. Affected: yes. Observed: 4 variant alleles.
Comment: SCN2A: BP4, BP7

Labcorp Genetics (formerly Invitae), Labcorp
Classification: Likely benign for Seizures, benign familial infantile, 3; Developmental and epileptic encephalopathy, 11. Last evaluated: 2025-08-29. Review status: criteria provided, single submitter. Criteria: Invitae Variant Classification Sherloc (09022015). Collection method: clinical testing. Allele origin: germline.

PreventionGenetics, part of Exact Sciences
Classification: Likely benign for SCN2A-related condition. Last evaluated: 2025-04-26. Review status: criteria provided, single submitter. Criteria: ACMG Guidelines, 2015. Collection method: clinical testing. Allele origin: germline.
Comment: This variant is classified as likely benign based on ACMG/AMP sequence variant interpretation guidelines (Richards et al. 2015 PMID: 25741868, with internal and published modifications).

Blueprint Genetics
Classification: Likely benign. Last evaluated: 2022-01-24. Review status: criteria provided, single submitter. Criteria: ACMG Guidelines, 2015. Collection method: clinical testing. Allele origin: germline.

Eurofins Ntd Llc (ga)
Classification: Uncertain significance. Last evaluated: 2017-08-28. Review status: criteria provided, single submitter. Criteria: EGL Classification Definitions 2015. Collection method: clinical testing. Allele origin: germline. Observed: 2 variant alleles, 2 heterozygotes.

GeneDx
Classification: Benign. Last evaluated: 2013-10-17. Review status: criteria provided, single submitter. Criteria: GeneDx Variant Classification (06012015). Collection method: clinical testing. Allele origin: germline. Affected: yes.
Comment: This variant is considered likely benign or benign based on one or more of the following criteria: it is a conservative change, it occurs at a poorly conserved position in the protein, it is predicted to be benign by multiple in silico algorithms, and/or has population frequency not consistent with disease.

NM_001040142.2(SCN2A):c.2019C>G (p.Gly673=)

Gene: SCN2A (sodium voltage-gated channel alpha subunit 2; plus strand). Cytogenetic location: 2q24.3.
Variant type: single nucleotide variant.
Coding change: c.2019C>G on transcript NM_001040142.2 (MANE Select); coding-DNA position 2019, C replaced by G.
Protein change: p.Gly673=; no amino-acid change (glycine 673 retained).
Molecular consequence: synonymous variant.
Genome position (GRCh38, 1-based): chr2:165,326,854, C>G. VCF-style: chr2-165326854-C-G. GRCh37 (hg19) VCF-style: chr2-166183364-C-G.
Other names: p.G673G:GGC>GGG; c.2019C>G, p.Gly673= (NM_001040143.2, NM_001371246.1, NM_001371247.1 and 1 more transcripts).
Identifiers: ClinVar variation 139031 (VCV000139031.37), dbSNP rs587781156, ClinGen allele CA293294.